The following is an entry in ClinVar:

NM_000270.4(PNP):c.464T>C (p.Phe155Ser)

Gene: PNP (purine nucleoside phosphorylase; plus strand). Cytogenetic location: 14q11.2.
Variant type: single nucleotide variant.
Coding change: c.464T>C on transcript NM_000270.4 (MANE Select); coding-DNA position 464, T replaced by C.
Protein change: p.Phe155Ser; replaces phenylalanine 155 with serine.
Molecular consequence: missense variant.
Genome position (GRCh38, 1-based): chr14:20,475,064, T>C. VCF-style: chr14-20475064-T-C. GRCh37 (hg19) VCF-style: chr14-20943223-T-C.
Other names: short protein forms F155S.
Identifiers: ClinVar variation 1998094 (VCV001998094.4), dbSNP rs2501834646, ClinGen allele CA389145463.
Genomic context (GRCh38, chr14:20,475,064, plus strand): 5'-AGCTGTGGGAGAATTTTTAAAATTCCGTTTATGTGAGATAATTCAACCTGTGTCCTAGGT[T>C]TGGAGATCGTTTCCCTGCCATGTCTGATGCCTACGACCGGACTATGAGGCAGAGGGCTCT-3'
Protein context (NP_000261.2, residues 145-165): NPLRGPNDER[Phe155Ser]GDRFPAMSDA

ClinVar aggregate classification (germline): Uncertain significance (1 of 4 stars; one submission).

Conditions:
Purine-nucleoside phosphorylase deficiency. Also called: NUCLEOSIDE PHOSPHORYLASE DEFICIENCY; Immunodeficiency due to purine nucleoside phosphorylase deficiency. Identifiers: Orphanet 760, MedGen C0268125, MONDO:0013171, OMIM 613179.

Submission:

Labcorp Genetics (formerly Invitae), Labcorp
Classification: Uncertain significance for Purine-nucleoside phosphorylase deficiency. Last evaluated: 2022-11-01. Review status: criteria provided, single submitter. Criteria: Invitae Variant Classification Sherloc (09022015). Collection method: clinical testing. Allele origin: germline.
Comment: This sequence change replaces phenylalanine, which is neutral and non-polar, with serine, which is neutral and polar, at codon 155 of the PNP protein (p.Phe155Ser). This variant is not present in population databases (gnomAD no frequency). This variant has not been reported in the literature in individuals affected with PNP-related conditions. Algorithms developed to predict the effect of missense changes on protein structure and function are either unavailable or do not agree on the potential impact of this missense change (SIFT: "Tolerated"; PolyPhen-2: "Probably Damaging"; Align-GVGD: "Class C0"). In summary, the available evidence is currently insufficient to determine the role of this variant in disease. Therefore, it has been classified as a Variant of Uncertain Significance.